The following is an entry in ClinVar:

ClinVar aggregate classification (germline): Pathogenic. Review status: criteria provided, multiple submitters, no conflicts (2 of 4 stars). 2 submissions from 2 submitters: Pathogenic (2). Last evaluated 2025-10-19.

Conditions:
Hereditary cancer-predisposing syndrome. Also called: Neoplastic Syndromes, Hereditary; Tumor predisposition; Hereditary neoplastic syndrome; Hereditary Cancer Syndrome. Identifiers: Orphanet 140162, MedGen C0027672, MeSH D009386, MONDO:0015356.
Hereditary nonpolyposis colorectal neoplasms. Identifiers: MedGen C0009405, MeSH D003123.

Submissions (2):

Ambry Genetics
Classification: Pathogenic for Hereditary cancer-predisposing syndrome. Last evaluated: 2025-10-19. Review status: criteria provided, single submitter. Criteria: Ambry Variant Classification Scheme 2023. Collection method: clinical testing. Allele origin: germline.
Comment: The c.713delG pathogenic mutation, located in coding exon 7 of the PMS2 gene, results from a deletion of one nucleotide at nucleotide position 713, causing a translational frameshift with a predicted alternate stop codon (p.S238Tfs*20). This variant is considered to be rare based on population cohorts in the Genome Aggregation Database (gnomAD). This alteration is expected to result in loss of function by premature protein truncation or nonsense-mediated mRNA decay. As such, this alteration is interpreted as a disease-causing mutation.

Labcorp Genetics (formerly Invitae), Labcorp
Classification: Pathogenic for Hereditary nonpolyposis colorectal neoplasms. Last evaluated: 2024-11-22. Review status: criteria provided, single submitter. Criteria: Invitae Variant Classification Sherloc (09022015). Collection method: clinical testing. Allele origin: germline.
Comment: This sequence change creates a premature translational stop signal (p.Ser238Thrfs*20) in the PMS2 gene. It is expected to result in an absent or disrupted protein product. Loss-of-function variants in PMS2 are known to be pathogenic (PMID: 21376568, 24362816). This variant is not present in population databases (gnomAD no frequency). This variant has not been reported in the literature in individuals affected with PMS2-related conditions. ClinVar contains an entry for this variant (Variation ID: 1367865). For these reasons, this variant has been classified as Pathogenic.

Literature cited by the submitters: PubMed 21376568 (cited by Labcorp Genetics (formerly Invitae), Labcorp); PubMed 24362816 (cited by Labcorp Genetics (formerly Invitae), Labcorp).

NM_000535.7(PMS2):c.713del (p.Ser238fs)

Gene: PMS2 (PMS1 homolog 2, mismatch repair system component; minus strand). Cytogenetic location: 7p22.1.
Variant type: Deletion.
Coding change: c.713del on transcript NM_000535.7 (MANE Select); coding-DNA position 713, one base deleted (G; older notation c.713delG).
Protein change: p.Ser238fs; shifts the reading frame from serine 238.
Molecular consequence: frameshift variant. On other transcripts: 5 prime UTR variant (2), non-coding transcript variant (1).
Genome position (GRCh38, 1-based): chr7:5,997,416, C deleted on the plus strand (G on the coding strand, the reverse complement: PMS2 is on the minus strand). VCF-style (leftmost placement, unchanged base first): chr7-5997415-GC-G. GRCh37 (hg19) VCF-style: chr7-6037046-GC-G.
Other names: c.308del, p.Ser103fs (NM_001322003.2, NM_001322004.2, NM_001322005.2 and 2 more transcripts); c.713del, p.Ser238fs (NM_001322006.2, NM_001322014.2); c.395del, p.Ser132fs (NM_001322007.2, NM_001322008.2); c.-221del (NM_001322011.2, NM_001322012.2); c.140del, p.Ser47fs (NM_001322013.2); c.404del, p.Ser135fs (NM_001322015.2); c.713delG (NM_000535.5); short protein forms S132fs, S47fs, S103fs, S135fs, S238fs.
Identifiers: ClinVar variation 1367865 (VCV001367865.7), dbSNP rs2128788650, ClinGen allele CA2573141938.